The following is an entry in ClinVar:

NM_004006.3(DMD):c.10554-29_10554-20del

Gene: DMD (dystrophin; minus strand). Cytogenetic location: Xp21.2.
Variant type: Microsatellite.
Coding change: c.10554-29_10554-20del on transcript NM_004006.3 (MANE Select); 29 bases into the intron before coding-DNA position 10554 through 20 bases into the intron before coding-DNA position 10554, 10 bases deleted (TTTCTTTTTT; older notation c.10554-29_10554-20delTTTCTTTTTT).
Molecular consequence: intron variant.
Genome position (GRCh38, 1-based): chrX:31,147,538-31,147,547, AAAAAAGAAA deleted on the plus strand (TTTCTTTTTT on the coding strand, the reverse complement: DMD is on the minus strand); deleting any 10 consecutive bases within chrX:31,147,538-31,147,557 gives the same sequence; the c. name uses the placement nearest the transcript's 3' end. VCF-style (leftmost placement, unchanged base first): chrX-31147537-TAAAAAAGAAA-T. GRCh37 (hg19) VCF-style: chrX-31165654-TAAAAAAGAAA-T.
Other names: c.10530-29_10530-20del (NM_000109.4); c.6531-29_6531-20del (NM_004011.4); c.6522-29_6522-20del (NM_004012.4); c.2844-29_2844-20del (NM_004023.3, NM_004020.4); c.3135-29_3135-20del (NM_004022.3); c.3174-29_3174-20del (NM_004021.3, NM_004013.3); c.2367-29_2367-20del (NM_004014.3); c.1311-29_1311-20del (NM_004018.3, NM_004017.3); and 4 more.
Identifiers: ClinVar variation 94438 (VCV000094438.11), dbSNP rs200138464, ClinGen allele CA222275.

ClinVar aggregate classification (germline): Benign/Likely benign. Review status: criteria provided, multiple submitters, no conflicts (2 of 4 stars). 4 submissions from 4 submitters: Benign (1); Likely benign (3). Last evaluated 2026-01-22.

Conditions:
Duchenne muscular dystrophy (DMD). Also called: Duchenne Muscular Dystrophy (DMD); MUSCULAR DYSTROPHY, PSEUDOHYPERTROPHIC PROGRESSIVE, DUCHENNE TYPE. Identifiers: Orphanet 98896, MedGen C0013264, MONDO:0010679, OMIM 310200.
Becker muscular dystrophy (BMD). Also called: MUSCULAR DYSTROPHY, PSEUDOHYPERTROPHIC PROGRESSIVE, BECKER TYPE; Becker Muscular Dystrophy (BMD). Identifiers: Orphanet 98895, MedGen C0917713, MONDO:0010311, OMIM 300376.
Dilated cardiomyopathy 3B (CMD3B). Also called: CMD3B: DMD-Related Dilated Cardiomyopathy; CARDIOMYOPATHY, DILATED, X-LINKED; DMD-Associated Dilated Cardiomyopathy. Identifiers: Orphanet 154, MedGen C3668940, MONDO:0010542, OMIM 302045.

Submissions (4):

Labcorp Genetics (formerly Invitae), Labcorp
Classification: Benign for Duchenne muscular dystrophy. Last evaluated: 2026-01-22. Review status: criteria provided, single submitter. Criteria: Invitae Variant Classification Sherloc (09022015). Collection method: clinical testing. Allele origin: germline.

Blueprint Genetics
Classification: Likely benign. Last evaluated: 2024-11-05. Review status: criteria provided, single submitter. Criteria: ACMG Guidelines, 2015. Collection method: clinical testing. Allele origin: germline.

Fulgent Genetics
Classification: Likely benign for Becker muscular dystrophy; Dilated cardiomyopathy 3B; Duchenne muscular dystrophy. Last evaluated: 2022-01-18. Review status: criteria provided, single submitter. Criteria: ACMG Guidelines, 2015. Collection method: clinical testing. Allele origin: unknown.

GeneDx
Classification: Likely benign. Last evaluated: 2017-12-06. Review status: criteria provided, single submitter. Criteria: GeneDx Variant Classification (06012015). Collection method: clinical testing. Allele origin: germline. Affected: yes.
Comment: This variant is considered likely benign or benign based on one or more of the following criteria: it is a conservative change, it occurs at a poorly conserved position in the protein, it is predicted to be benign by multiple in silico algorithms, and/or has population frequency not consistent with disease.